The following is an entry in ClinVar:

ClinVar aggregate classification (germline): Uncertain significance. Review status: criteria provided, multiple submitters, no conflicts (2 of 4 stars). 2 submissions from 2 submitters: Uncertain significance (2). Last evaluated 2025-08-11.

Conditions:
Inborn genetic diseases. Identifiers: MedGen C0950123, MeSH D030342.

Allele frequency attached by ClinVar (database versions not stated): gnomAD 0.00001; TOPMed 0.00002; gnomAD exomes below 0.00001; ExAC 0.00002.
gnomAD v4.1: 3 of 1,614,050 alleles (0.00019%); highest among the groups gnomAD compares: East Asian, 0.0067%; no homozygotes.

Submissions (2):

GeneDx
Classification: Uncertain significance. Last evaluated: 2025-08-11. Review status: criteria provided, single submitter. Criteria: GeneDx Variant Classification Process June 2021. Collection method: clinical testing. Allele origin: germline. Affected: yes.
Comment: Not observed at significant frequency in large population cohorts (gnomAD); In silico analysis suggests that this missense variant does not alter protein structure/function; Has not been previously published as pathogenic or benign to our knowledge

Ambry Genetics
Classification: Uncertain significance for Inborn genetic diseases. Last evaluated: 2023-09-26. Review status: criteria provided, single submitter. Criteria: Ambry Variant Classification Scheme 2023. Collection method: clinical testing. Allele origin: germline.

NM_004239.4(TRIP11):c.4487A>G (p.Lys1496Arg)

Gene: TRIP11 (thyroid hormone receptor interactor 11; minus strand). Cytogenetic location: 14q32.12.
Variant type: single nucleotide variant.
Coding change: c.4487A>G on transcript NM_004239.4 (MANE Select); coding-DNA position 4487, A replaced by G.
Protein change: p.Lys1496Arg; replaces lysine 1496 with arginine.
Molecular consequence: missense variant.
Genome position (GRCh38, 1-based): chr14:92,003,489, T>C on the plus strand (A>G on the coding strand, the complement: TRIP11 is on the minus strand). VCF-style: chr14-92003489-T-C. GRCh37 (hg19) VCF-style: chr14-92469833-T-C.
Other names: c.4484A>G, p.Lys1495Arg (NM_001321851.1); short protein forms K1496R, K1495R.
Identifiers: ClinVar variation 3182916 (VCV003182916.2), dbSNP rs764924931, ClinGen allele CA7313448.